The following is an entry in ClinVar:

NM_001036.6(RYR3):c.418C>T (p.Arg140Trp)

Gene: RYR3 (ryanodine receptor 3; plus strand). Cytogenetic location: 15q14.
Variant type: single nucleotide variant.
Coding change: c.418C>T on transcript NM_001036.6 (MANE Select); coding-DNA position 418, C replaced by T.
Protein change: p.Arg140Trp; replaces arginine 140 with tryptophan.
Molecular consequence: missense variant.
Genome position (GRCh38, 1-based): chr15:33,533,374, C>T. VCF-style: chr15-33533374-C-T. GRCh37 (hg19) VCF-style: chr15-33825575-C-T.
Other names: c.418C>T, p.Arg140Trp (NM_001243996.4); short protein forms R140W.
Identifiers: ClinVar variation 531003 (VCV000531003.11), dbSNP rs374959679, ClinGen allele CA7457809.
Genomic context (GRCh38, chr15:33,533,374, plus strand): 5'-CTAACATGCTTGACTACATCAAGATCCCAGACAGACAAACTTGCCTTTGATGTAGGTCTA[C>T]GGGAACATGCCACAGGTGAGTCAGCATTCCCAGATCTCTTGAGCTCAGCGGGGGTCTTGG-3'
Protein context (NP_001027.3, residues 130-150): TDKLAFDVGL[Arg140Trp]EHATGEACWW

ClinVar aggregate classification (germline): Uncertain significance (1 of 4 stars; one submission).

Conditions:
Epileptic encephalopathy. Identifiers: MedGen C0543888, HP:0200134.

Allele frequency attached by ClinVar (database versions not stated): gnomAD 0.00010 and 0.00011; gnomAD exomes 0.00005 and 0.00006; ExAC 0.00014; TOPMed 0.00014; ESP Exome Variant Server 0.00024.
gnomAD v4.1: 90 of 1,606,268 alleles (0.0056%); highest among the groups gnomAD compares: African/African-American, 0.023%; no homozygotes.

Submission:

Labcorp Genetics (formerly Invitae), Labcorp
Classification: Uncertain significance for Epileptic encephalopathy. Last evaluated: 2025-10-11. Review status: criteria provided, single submitter. Criteria: Invitae Variant Classification Sherloc (09022015). Collection method: clinical testing. Allele origin: germline.
Comment: This sequence change replaces arginine, which is basic and polar, with tryptophan, which is neutral and slightly polar, at codon 140 of the RYR3 protein (p.Arg140Trp). This variant is present in population databases (rs374959679, gnomAD 0.04%). This variant has not been reported in the literature in individuals affected with RYR3-related conditions. ClinVar contains an entry for this variant (Variation ID: 531003). An algorithm developed to predict the effect of missense changes on protein structure and function (PolyPhen-2) suggests that this variant is likely to be disruptive. In summary, the available evidence is currently insufficient to determine the role of this variant in disease. Therefore, it has been classified as a Variant of Uncertain Significance.